The following is an entry in ClinVar:

NM_001351132.2(PEX5):c.359A>G (p.Gln120Arg)

Gene: PEX5 (peroxisomal biogenesis factor 5; plus strand). Cytogenetic location: 12p13.31.
Variant type: single nucleotide variant.
Coding change: c.359A>G on transcript NM_001351132.2 (MANE Select); coding-DNA position 359, A replaced by G.
Protein change: p.Gln120Arg; replaces glutamine 120 with arginine.
Molecular consequence: missense variant.
Genome position (GRCh38, 1-based): chr12:7,191,611, A>G. VCF-style: chr12-7191611-A-G. GRCh37 (hg19) VCF-style: chr12-7344207-A-G.
Other names: c.359A>G, p.Gln120Arg (NM_000319.5, NM_001131024.2, NM_001131025.2 and 19 more transcripts); c.404A>G, p.Gln135Arg (NM_001131023.2, NM_001351135.3, NM_001351138.2); short protein forms Q120R, Q135R.
Identifiers: ClinVar variation 1521869 (VCV001521869.5), dbSNP rs1347906263, ClinGen allele CA383712219.

ClinVar aggregate classification (germline): Uncertain significance (1 of 4 stars; one submission).

Conditions:
Peroxisome biogenesis disorder 2B (PBD2B). Identifiers: Orphanet 44, MedGen C3550234, MONDO:0008736, OMIM 202370.

Allele frequency attached by ClinVar (database versions not stated): gnomAD exomes below 0.00001.

Submission:

Labcorp Genetics (formerly Invitae), Labcorp
Classification: Uncertain significance for Peroxisome biogenesis disorder 2B. Last evaluated: 2022-10-13. Review status: criteria provided, single submitter. Criteria: Invitae Variant Classification Sherloc (09022015). Collection method: clinical testing. Allele origin: germline.
Comment: This variant has not been reported in the literature in individuals affected with PEX5-related conditions. This variant is present in population databases (no rsID available, gnomAD 0.003%). This sequence change replaces glutamine, which is neutral and polar, with arginine, which is basic and polar, at codon 120 of the PEX5 protein (p.Gln120Arg). ClinVar contains an entry for this variant (Variation ID: 1521869). In summary, the available evidence is currently insufficient to determine the role of this variant in disease. Therefore, it has been classified as a Variant of Uncertain Significance. Advanced modeling of protein sequence and biophysical properties (such as structural, functional, and spatial information, amino acid conservation, physicochemical variation, residue mobility, and thermodynamic stability) performed at Invitae indicates that this missense variant is not expected to disrupt PEX5 protein function.